The following is an entry in ClinVar:

NM_002528.7(NTHL1):c.764G>T (p.Arg255Leu)

Gene: NTHL1 (nth like DNA glycosylase 1; minus strand). Cytogenetic location: 16p13.3.
Variant type: single nucleotide variant.
Coding change: c.764G>T on transcript NM_002528.7 (MANE Select); coding-DNA position 764, G replaced by T.
Protein change: p.Arg255Leu; replaces arginine 255 with leucine.
Molecular consequence: missense variant.
Genome position (GRCh38, 1-based): chr16:2,040,160, C>A on the plus strand (G>T on the coding strand, the complement: NTHL1 is on the minus strand). VCF-style: chr16-2040160-C-A. GRCh37 (hg19) VCF-style: chr16-2090161-C-A.
Other names: c.593G>T, p.Arg198Leu (NM_001318193.2); c.434G>T, p.Arg145Leu (NM_001318194.2); short protein forms R255L, R145L, R198L.
Identifiers: ClinVar variation 2586096 (VCV002586096.3), dbSNP rs756036462, ClinGen allele CA394288774.

ClinVar aggregate classification (germline): Uncertain significance (1 of 4 stars; one submission).

Conditions:
Hereditary cancer-predisposing syndrome. Also called: Hereditary neoplastic syndrome; Tumor predisposition; Hereditary Cancer Syndrome; Neoplastic Syndromes, Hereditary. Identifiers: Orphanet 140162, MedGen C0027672, MeSH D009386, MONDO:0015356.

Submission:

Ambry Genetics
Classification: Uncertain significance for Hereditary cancer-predisposing syndrome. Last evaluated: 2025-01-20. Review status: criteria provided, single submitter. Criteria: Ambry Variant Classification Scheme 2023. Collection method: clinical testing. Allele origin: germline.
Comment: The p.R263L variant (also known as c.788G>T), located in coding exon 5 of the NTHL1 gene, results from a G to T substitution at nucleotide position 788. The arginine at codon 263 is replaced by leucine, an amino acid with dissimilar properties. This amino acid position is highly conserved in available vertebrate species. In addition, the in silico prediction for this alteration is inconclusive. Based on the available evidence, the clinical significance of this variant remains unclear.